The following is an entry in ClinVar:

NM_001009999.3(KDM1A):c.1196A>G (p.Asp399Gly)

Gene: KDM1A (lysine demethylase 1A; plus strand). Cytogenetic location: 1p36.12.
Variant type: single nucleotide variant.
Coding change: c.1196A>G on transcript NM_001009999.3 (MANE Select); coding-DNA position 1196, A replaced by G.
Protein change: p.Asp399Gly; replaces aspartic acid 399 with glycine.
Molecular consequence: missense variant.
Genome position (GRCh38, 1-based): chr1:23,068,555, A>G. VCF-style: chr1-23068555-A-G. GRCh37 (hg19) VCF-style: chr1-23395048-A-G.
Other names: c.1124A>G, p.Asp375Gly (NM_001363654.2, NM_015013.4); short protein forms D399G, D375G.
Identifiers: ClinVar variation 451410 (VCV000451410.4), dbSNP rs1553130904, ClinGen allele CA338964509.

ClinVar aggregate classification (germline): Likely pathogenic. Review status: criteria provided, multiple submitters, no conflicts (2 of 4 stars). 2 submissions from 2 submitters: Likely pathogenic (2). Last evaluated 2021-06-22.

Conditions:
Intellectual disability. Also called: Intellectual developmental disorder; Intellectual functioning disability; intellectual disabilities. Identifiers: MedGen C3714756, MeSH D008607, MONDO:0001071, HP:0001249.

Submissions (2):

Cytogénomique, Hospices Civils de Lyon
Classification: Likely pathogenic for Intellectual disability. Last evaluated: 2021-06-22. Review status: criteria provided, single submitter. Criteria: ACMG Guidelines, 2015. Collection method: clinical testing. Allele origin: de novo. Inheritance: Sporadic. Affected: yes. Observed: 1 variant allele, 1 heterozygote.
Comment: absent from gnomAD, de novo, predicted deleterious, already in ClinVar. Limited phenotype evidence

GeneDx
Classification: Likely pathogenic. Last evaluated: 2017-08-17. Review status: criteria provided, single submitter. Criteria: GeneDx Variant Classification (06012015). Collection method: clinical testing. Allele origin: germline. Affected: yes.
Comment: The c.1196 A>G variant in the KDM1A gene has not been reported previously as a pathogenic variant, nor as a benign variant, to our knowledge. The c.1196 A>G variant is not observed in large population cohorts (Lek et al., 2016; 1000 Genomes Consortium et al., 2015; Exome Variant Server). In-silico splice prediction models predict that c.1196 A>G may create a cryptic splice donor site upstream of the natural splice donor site in intron 11, which may supplant the natural donor site. However, in the absence of RNA/functional studies, the actual effect of the c.1196 A>G change in this individual is unknown. If c.1196 A>G does not alter splicing, it will result in the D399G missense change. The D399G variant is a non-conservative amino acid substitution, which is likely to impact secondary protein structure as these residues differ in polarity, charge, size and/or other properties. This substitution occurs at a position that is conserved across species, and in silico analysis predicts this variant is probably damaging to the protein structure/function. We interpret c.1196 A>G as a likely pathogenic variant.